The following is an entry in ClinVar:

NM_001370298.3(FGD4):c.*1148C>T

Gene: FGD4 (FYVE, RhoGEF and PH domain containing 4; plus strand). Cytogenetic location: 12p11.21.
Variant type: single nucleotide variant.
Coding change: c.*1148C>T on transcript NM_001370298.3 (MANE Select); 1148 bases downstream of the stop codon, C replaced by T.
Molecular consequence: 3 prime UTR variant. On other transcripts: intron variant (3).
Genome position (GRCh38, 1-based): chr12:32,641,681, C>T. VCF-style: chr12-32641681-C-T. GRCh37 (hg19) VCF-style: chr12-32794615-C-T.
Other names: c.*1148C>T (NM_001304481.2, NM_001304484.2, NM_001330373.2 and 5 more transcripts); c.2632+1228C>T (NM_001384126.1); c.2221+1228C>T (NM_001384127.1, NM_001384128.1).
Identifiers: ClinVar variation 308313 (VCV000308313.6), dbSNP rs56110646, ClinGen allele CA10641852.

ClinVar aggregate classification (germline): Benign. Review status: criteria provided, multiple submitters, no conflicts (2 of 4 stars). 2 submissions from 2 submitters: Benign (2). Last evaluated 2018-01-12.

Conditions:
Charcot-Marie-Tooth disease type 4H (CMT4H). Also called: CHARCOT-MARIE-TOOTH DISEASE, AUTOSOMAL RECESSIVE, TYPE 4H; CHARCOT-MARIE-TOOTH DISEASE, DEMYELINATING, AUTOSOMAL RECESSIVE, TYPE 4H; CHARCOT-MARIE-TOOTH NEUROPATHY, TYPE 4H; CHARCOT-MARIE-TOOTH DISEASE, DEMYELINATING, TYPE 4H. Identifiers: Orphanet 99954, MedGen C1836336, MONDO:0012250, OMIM 609311.

Allele frequency attached by ClinVar (database versions not stated): 1000 Genomes Project 0.06689; 1000 Genomes Project 30x 0.07152; gnomAD 0.08974 and 0.09020; TOPMed 0.09702.

Submissions (2):

Illumina Laboratory Services, Illumina
Classification: Benign for Charcot-Marie-Tooth disease type 4H. Last evaluated: 2018-01-12. Review status: criteria provided, single submitter. Criteria: ICSL Variant Classification Criteria 13 December 2019. Collection method: clinical testing. Allele origin: germline.
Comment: This variant was observed in the ICSL laboratory as part of a predisposition screen in an ostensibly healthy population. It had not been previously curated by ICSL or reported in the Human Gene Mutation Database (HGMD: prior to June 1st, 2018), and was therefore a candidate for classification through an automated scoring system. Utilizing variant allele frequency, disease prevalence and penetrance estimates, and inheritance mode, an automated score was calculated to assess if this variant is too frequent to cause the disease. Based on the score and internal cut-off values, a variant classified as benign is not then subjected to further curation. The score for this variant resulted in a classification of benign for this disease.

Breakthrough Genomics
Classification: Benign. Review status: criteria provided, single submitter. Criteria: ACMG Guidelines, 2015. Collection method: not provided. Allele origin: germline. Inheritance: Autosomal recessive inheritance. Affected: yes.